The following is an entry in ClinVar:

NM_003321.5(TUFM):c.873C>T (p.Asp291=)

Gene: TUFM (Tu translation elongation factor, mitochondrial; minus strand). Cytogenetic location: 16p11.2.
Variant type: single nucleotide variant.
Coding change: c.873C>T on transcript NM_003321.5 (MANE Select); coding-DNA position 873, C replaced by T.
Protein change: p.Asp291=; no amino-acid change (aspartic acid 291 retained).
Molecular consequence: synonymous variant. On other transcripts: intron variant (1).
Genome position (GRCh38, 1-based): chr16:28,844,279, G>A on the plus strand (C>T on the coding strand, the complement: TUFM is on the minus strand). VCF-style: chr16-28844279-G-A. GRCh37 (hg19) VCF-style: chr16-28855600-G-A.
Other names: c.838+35C>T (NM_001365360.2).
Identifiers: ClinVar variation 1209021 (VCV001209021.5), dbSNP rs140783582, ClinGen allele CA7985504.

ClinVar aggregate classification (germline): Likely benign. Review status: criteria provided, multiple submitters, no conflicts (2 of 4 stars). 2 submissions from 2 submitters: Likely benign (2). Last evaluated 2026-04-01.

Allele frequency attached by ClinVar (database versions not stated): gnomAD 0.00006 and 0.00007; TOPMed 0.00007; gnomAD exomes 0.00009 and 0.00010; ExAC 0.00010; ESP Exome Variant Server 0.00023.
gnomAD v4.1: 138 of 1,614,000 alleles (0.0086%); highest among the groups gnomAD compares: Middle Eastern, 0.016%; no homozygotes.

Submissions (2):

CeGaT Center for Human Genetics Tuebingen
Classification: Likely benign. Last evaluated: 2026-04-01. Review status: criteria provided, single submitter. Criteria: CeGaT Center For Human Genetics Tuebingen Variant Classification Criteria Version 2. Collection method: clinical testing. Allele origin: germline. Affected: yes. Observed: 1 variant allele.
Comment: TUFM: BP4, BP7

GeneDx
Classification: Likely benign. Last evaluated: 2019-12-09. Review status: criteria provided, single submitter. Criteria: GeneDx Variant Classification Process June 2021. Collection method: clinical testing. Allele origin: germline. Affected: yes.